The following is an entry in ClinVar:

ClinVar aggregate classification (germline): Uncertain significance (1 of 4 stars; one submission).

Conditions:
Hereditary cancer-predisposing syndrome. Also called: Neoplastic Syndromes, Hereditary; Tumor predisposition; Hereditary Cancer Syndrome; Hereditary neoplastic syndrome. Identifiers: Orphanet 140162, MedGen C0027672, MeSH D009386, MONDO:0015356.

gnomAD v4.1: 1 of 1,602,496 alleles (0.000062%); highest among the groups gnomAD compares: Admixed American, 0.0017%; no homozygotes.

Submission:

Ambry Genetics
Classification: Uncertain significance for Hereditary cancer-predisposing syndrome. Last evaluated: 2022-04-18. Review status: criteria provided, single submitter. Criteria: Ambry Variant Classification Scheme 2023. Collection method: clinical testing. Allele origin: germline.
Comment: The p.E270K variant (also known as c.808G>A), located in coding exon 4 of the BARD1 gene, results from a G to A substitution at nucleotide position 808. The glutamic acid at codon 270 is replaced by lysine, an amino acid with similar properties. This amino acid position is not well conserved in available vertebrate species. In addition, this alteration is predicted to be tolerated by in silico analysis. Since supporting evidence is limited at this time, the clinical significance of this alteration remains unclear.

NM_000465.4(BARD1):c.808G>A (p.Glu270Lys)

Gene: BARD1 (BRCA1 associated RING domain 1; minus strand). Cytogenetic location: 2q35.
Variant type: single nucleotide variant.
Coding change: c.808G>A on transcript NM_000465.4 (MANE Select); coding-DNA position 808, G replaced by A.
Protein change: p.Glu270Lys; replaces glutamic acid 270 with lysine.
Molecular consequence: missense variant. On other transcripts: non-coding transcript variant (2), intron variant (3).
Genome position (GRCh38, 1-based): chr2:214,781,066, C>T on the plus strand (G>A on the coding strand, the complement: BARD1 is on the minus strand). VCF-style: chr2-214781066-C-T. GRCh37 (hg19) VCF-style: chr2-215645790-C-T.
Other names: c.751G>A, p.Glu251Lys (NM_001282543.2); c.158+28346G>A (NM_001282548.2); c.215+15995G>A (NM_001282545.2); c.364+11231G>A (NM_001282549.2); short protein forms E251K, E270K.
Identifiers: ClinVar variation 1761941 (VCV001761941.2), dbSNP rs1060501288, ClinGen allele CA350455569.